The following is an entry in ClinVar:

ClinVar aggregate classification (germline): Uncertain significance (1 of 4 stars; one submission).

Conditions:
Peroxisome biogenesis disorder. Identifiers: Orphanet 79189, MedGen C1832200, MONDO:0019234. Disease mechanism: loss of function.

Allele frequency attached by ClinVar (database versions not stated): gnomAD 0.00001.
gnomAD v4.1: 1 of 1,610,544 alleles (0.000062%); highest among the groups gnomAD compares: African/African-American, 0.0013%; no homozygotes.

Submission:

Labcorp Genetics (formerly Invitae), Labcorp
Classification: Uncertain significance for Peroxisome biogenesis disorder. Last evaluated: 2022-06-23. Review status: criteria provided, single submitter. Criteria: Invitae Variant Classification Sherloc (09022015). Collection method: clinical testing. Allele origin: germline.
Comment: In summary, the available evidence is currently insufficient to determine the role of this variant in disease. Therefore, it has been classified as a Variant of Uncertain Significance. Algorithms developed to predict the effect of missense changes on protein structure and function are either unavailable or do not agree on the potential impact of this missense change (SIFT: "Tolerated"; PolyPhen-2: "Probably Damaging"; Align-GVGD: "Class C0"). This variant has not been reported in the literature in individuals affected with PEX16-related conditions. This variant is not present in population databases (gnomAD no frequency). This sequence change replaces leucine, which is neutral and non-polar, with valine, which is neutral and non-polar, at codon 213 of the PEX16 protein (p.Leu213Val).

NM_004813.4(PEX16):c.637C>G (p.Leu213Val)

Gene: PEX16 (peroxisomal biogenesis factor 16; minus strand). Cytogenetic location: 11p11.2.
Variant type: single nucleotide variant.
Coding change: c.637C>G on transcript NM_004813.4 (MANE Select); coding-DNA position 637, C replaced by G.
Protein change: p.Leu213Val; replaces leucine 213 with valine.
Molecular consequence: missense variant.
Genome position (GRCh38, 1-based): chr11:45,914,373, G>C on the plus strand (C>G on the coding strand, the complement: PEX16 is on the minus strand). VCF-style: chr11-45914373-G-C. GRCh37 (hg19) VCF-style: chr11-45935924-G-C.
Other names: c.637C>G, p.Leu213Val (NM_057174.3); short protein forms L213V.
Identifiers: ClinVar variation 2003583 (VCV002003583.2), dbSNP rs2086810277, ClinGen allele CA380227015.